The following is an entry in ClinVar:

ClinVar aggregate classification (germline): Conflicting classifications of pathogenicity. Review status: criteria provided, conflicting classifications (1 of 4 stars). 5 submissions from 5 submitters: Uncertain significance (2); Likely benign (2). 1 of the submissions does not count toward it. Last evaluated 2026-02-16.

Conditions:
Glycogen storage disease type III (GSD3). Also called: FORBES DISEASE; Cori disease. Identifiers: Orphanet 366, MedGen C0017922, MONDO:0009291, OMIM 232400.
AGL-related disorder. Also called: AGL-related condition.

Allele frequency attached by ClinVar (database versions not stated): gnomAD below 0.00001 and 0.00015; TOPMed below 0.00001; gnomAD exomes 0.00015 and 0.00030; ExAC 0.00039; 1000 Genomes Project 30x 0.00094; 1000 Genomes Project 0.00100.
gnomAD v4.1: 243 of 1,614,036 alleles (0.015%); highest among the groups gnomAD compares: South Asian, 0.25%; 1 homozygote.

Submissions (5):

PreventionGenetics, part of Exact Sciences
Classification: Likely benign for AGL-related condition. Last evaluated: 2026-02-16. Review status: criteria provided, single submitter. Criteria: ACMG Guidelines, 2015. Collection method: clinical testing. Allele origin: germline.
Comment: This variant is classified as likely benign based on ACMG/AMP sequence variant interpretation guidelines (Richards et al. 2015 PMID: 25741868, with internal and published modifications).

Labcorp Genetics (formerly Invitae), Labcorp
Classification: Likely benign for Glycogen storage disease type III. Last evaluated: 2025-12-26. Review status: criteria provided, single submitter. Criteria: Invitae Variant Classification Sherloc (09022015). Collection method: clinical testing. Allele origin: germline.

Blueprint Genetics
Classification: Uncertain significance. Last evaluated: 2024-06-28. Review status: criteria provided, single submitter. Criteria: ACMG Guidelines, 2015. Collection method: clinical testing. Allele origin: germline.

ARUP Laboratories, Molecular Genetics and Genomics, ARUP Laboratories
Classification: Uncertain significance. Last evaluated: 2023-12-21. Review status: criteria provided, single submitter. Criteria: ARUP Molecular Germline Variant Investigation Process 2024. Collection method: clinical testing. Allele origin: germline.
Comment: The AGL c.443G>A; p.Arg148Lys variant (rs542885983), to our knowledge, is not reported in the medical literature but is reported in ClinVar (Variation ID: 706640). This variant is found in the South Asian population with an allele frequency of 0.2% (74/30616 alleles) in the Genome Aggregation Database (v2.1.1). Computational analyses predict that this variant is neutral (REVEL: 0.139). Due to limited information, the clinical significance of this variant is uncertain at this time.

Natera, Inc.
Classification: Uncertain significance for Glycogen storage disease type III. Last evaluated: 2020-01-17. Review status: no assertion criteria provided. Collection method: clinical testing. Allele origin: germline. Not counted in ClinVar's aggregate classification.

NM_000642.3(AGL):c.443G>A (p.Arg148Lys)

Gene: AGL (amylo-alpha-1,6-glucosidase and 4-alpha-glucanotransferase; plus strand). Cytogenetic location: 1p21.2.
Variant type: single nucleotide variant.
Coding change: c.443G>A on transcript NM_000642.3 (MANE Select); coding-DNA position 443, G replaced by A.
Protein change: p.Arg148Lys; replaces arginine 148 with lysine.
Molecular consequence: missense variant.
Genome position (GRCh38, 1-based): chr1:99,862,406, G>A. VCF-style: chr1-99862406-G-A. GRCh37 (hg19) VCF-style: chr1-100327962-G-A.
Other names: c.443G>A, p.Arg148Lys (NM_000028.3, NM_000643.3, NM_000644.3 and 5 more transcripts); c.395G>A, p.Arg132Lys (NM_000646.3); short protein forms R132K, R148K.
Identifiers: ClinVar variation 706640 (VCV000706640.15), dbSNP rs542885983, ClinGen allele CA966162.